The following is an entry in ClinVar:

NM_001001563.5(TIMM50):c.-5G>A

Gene: TIMM50 (translocase of inner mitochondrial membrane 50; plus strand). Cytogenetic location: 19q13.2.
Variant type: single nucleotide variant.
Coding change: c.-5G>A on transcript NM_001001563.5 (MANE Select); 5 bases upstream of the start codon, G replaced by A.
Molecular consequence: 5 prime UTR variant.
Genome position (GRCh38, 1-based): chr19:39,480,849, G>A. VCF-style: chr19-39480849-G-A. GRCh37 (hg19) VCF-style: chr19-39971489-G-A.
Other names: c.-285G>A (NM_001329559.2).
Identifiers: ClinVar variation 3001465 (VCV003001465.3), dbSNP rs2079464977, ClinGen allele CA405785785.

ClinVar aggregate classification (germline): Uncertain significance (1 of 4 stars; one submission).

gnomAD v4.1: 1 of 1,594,826 alleles (0.000063%); no homozygotes.

Submission:

Labcorp Genetics (formerly Invitae), Labcorp
Classification: Uncertain significance. Last evaluated: 2023-10-20. Review status: criteria provided, single submitter. Criteria: Invitae Variant Classification Sherloc (09022015). Collection method: clinical testing. Allele origin: germline.
Comment: This sequence change replaces arginine, which is basic and polar, with histidine, which is basic and polar, at codon 102 of the TIMM50 protein (p.Arg102His). This variant is not present in population databases (gnomAD no frequency). This variant has not been reported in the literature in individuals affected with TIMM50-related conditions. An algorithm developed to predict the effect of missense changes on protein structure and function (PolyPhen-2) suggests that this variant is likely to be tolerated. In summary, the available evidence is currently insufficient to determine the role of this variant in disease. Therefore, it has been classified as a Variant of Uncertain Significance.